The following is an entry in ClinVar:

ClinVar aggregate classification (germline): Likely pathogenic (1 of 4 stars; one submission).

Conditions:
Bilateral parasagittal parieto-occipital polymicrogyria. Also called: Polymicrogyria, bilateral temporooccipital. Identifiers: Orphanet 208441, MedGen C4013648, MONDO:0012986, OMIM 612691.
Amyotrophic lateral sclerosis type 11 (ALS11). Identifiers: Orphanet 803, MedGen C2675491, MONDO:0012945, OMIM 612577.
Charcot-Marie-Tooth disease type 4J (CMT4J). Also called: Charcot-Marie-Tooth Neuropathy Type 4J; CHARCOT-MARIE-TOOTH DISEASE, DEMYELINATING, TYPE 4J; CHARCOT-MARIE-TOOTH DISEASE, AUTOSOMAL RECESSIVE, TYPE 4J. Identifiers: Orphanet 139515, MedGen C1970011, MONDO:0012640, OMIM 611228.
Yunis-Varon syndrome (YVS). Also called: Cleidocranial dysplasia, micrognathia, absent thumbs, & distal aphalangia. Identifiers: Orphanet 3472, MedGen C1857663, MONDO:0008995, OMIM 216340.

Submission:

Juno Genomics, Hangzhou Juno Genomics, Inc
Classification: Likely pathogenic for Yunis-Varon syndrome; Bilateral parasagittal parieto-occipital polymicrogyria; Amyotrophic lateral sclerosis type 11; Charcot-Marie-Tooth disease type 4J. Review status: criteria provided, single submitter. Criteria: ACMG Guidelines, 2015. Collection method: clinical testing. Allele origin: germline.
Comment: Null variant in a gene where loss of function (LOF) is a known mechanism of disease.;Absent from controls (or at extremely low frequency if recessive) in Genome Aggregation Database.

NM_014845.6(FIG4):c.2158G>T (p.Glu720Ter)

Gene: FIG4 (FIG4 phosphoinositide 5-phosphatase; plus strand). Cytogenetic location: 6q21.
Variant type: single nucleotide variant.
Coding change: c.2158G>T on transcript NM_014845.6 (MANE Select); coding-DNA position 2158, G replaced by T.
Protein change: p.Glu720Ter; replaces glutamic acid 720 with a stop codon.
Molecular consequence: nonsense.
Genome position (GRCh38, 1-based): chr6:109,789,655, G>T. VCF-style: chr6-109789655-G-T. GRCh37 (hg19) VCF-style: chr6-110110858-G-T.
Other names: short protein forms E720*.
Identifiers: ClinVar variation 5006956 (VCV005006956.2).